The following is an entry in ClinVar:

NM_000388.4(CASR):c.1609G>A (p.Val537Met)

Gene: CASR (calcium sensing receptor; plus strand). Cytogenetic location: 3q21.1.
Variant type: single nucleotide variant.
Coding change: c.1609G>A on transcript NM_000388.4 (MANE Select); coding-DNA position 1609, G replaced by A.
Protein change: p.Val537Met; replaces valine 537 with methionine.
Molecular consequence: missense variant.
Genome position (GRCh38, 1-based): chr3:122,282,113, G>A. VCF-style: chr3-122282113-G-A. GRCh37 (hg19) VCF-style: chr3-122000960-G-A.
Other names: c.1639G>A, p.Val547Met (NM_001178065.2); short protein forms V537M, V547M.
Identifiers: ClinVar variation 1524815 (VCV001524815.8), dbSNP rs1250951106, ClinGen allele CA354156112.

ClinVar aggregate classification (germline): Uncertain significance. Review status: criteria provided, multiple submitters, no conflicts (2 of 4 stars). 2 submissions from 2 submitters: Uncertain significance (2). Last evaluated 2025-02-23.

Conditions:
Familial hypocalciuric hypercalcemia (FHH). Also called: Familial benign hypercalcemia. Identifiers: Orphanet 405, MedGen C1809471, MONDO:0018458.
Autosomal dominant hypocalcemia 1 (HYPOC1). Also called: HYPOCALCEMIA, FAMILIAL. Identifiers: MedGen C3715128, MONDO:0011013, OMIM 601198.
Nephrolithiasis/nephrocalcinosis. Identifiers: MedGen CN580796.

Allele frequency attached by ClinVar (database versions not stated): gnomAD exomes below 0.00001; TOPMed 0.00001; gnomAD 0.00001.
gnomAD v4.1: 2 of 1,614,096 alleles (0.00012%); highest among the groups gnomAD compares: African/African-American, 0.0027%; no homozygotes.

Submissions (2):

Labcorp Genetics (formerly Invitae), Labcorp
Classification: Uncertain significance for Familial hypocalciuric hypercalcemia; Autosomal dominant hypocalcemia 1. Last evaluated: 2025-02-23. Review status: criteria provided, single submitter. Criteria: Invitae Variant Classification Sherloc (09022015). Collection method: clinical testing. Allele origin: germline.
Comment: This sequence change replaces valine, which is neutral and non-polar, with methionine, which is neutral and non-polar, at codon 537 of the CASR protein (p.Val537Met). This variant is not present in population databases (gnomAD no frequency). This variant has not been reported in the literature in individuals affected with CASR-related conditions. ClinVar contains an entry for this variant (Variation ID: 1524815). An algorithm developed to predict the effect of missense changes on protein structure and function (PolyPhen-2) suggests that this variant is likely to be tolerated. In summary, the available evidence is currently insufficient to determine the role of this variant in disease. Therefore, it has been classified as a Variant of Uncertain Significance.

Ambry Genetics
Classification: Uncertain significance for Nephrolithiasis/nephrocalcinosis. Last evaluated: 2023-12-23. Review status: criteria provided, single submitter. Criteria: Ambry Variant Classification Scheme 2023. Collection method: clinical testing. Allele origin: germline.
Comment: The p.V537M variant (also known as c.1609G>A) is located in coding exon 5 of the CASR gene. The valine at codon 537 is replaced by methionine, an amino acid with highly similar properties. This change occurs in the first base pair of coding exon 5. This amino acid position is conserved. In addition, the in silico prediction for this alteration is inconclusive. Since supporting evidence is limited at this time, the clinical significance of this alteration remains unclear.